The following is an entry in ClinVar:

NM_138927.4(SON):c.1624G>A (p.Ala542Thr)

Gene: SON (SON DNA and RNA binding protein; plus strand). Cytogenetic location: 21q22.11.
Variant type: single nucleotide variant.
Coding change: c.1624G>A on transcript NM_138927.4 (MANE Select); coding-DNA position 1624, G replaced by A.
Protein change: p.Ala542Thr; replaces alanine 542 with threonine.
Molecular consequence: missense variant. On other transcripts: non-coding transcript variant (1), intron variant (1).
Genome position (GRCh38, 1-based): chr21:33,550,855, G>A. VCF-style: chr21-33550855-G-A. GRCh37 (hg19) VCF-style: chr21-34923161-G-A.
Other names: c.1624G>A, p.Ala542Thr (NM_001291411.2, NM_032195.3); c.244+4476G>A (NM_001291412.3); short protein forms A542T.
Identifiers: ClinVar variation 3652957 (VCV003652957.2).

ClinVar aggregate classification (germline): Uncertain significance (1 of 4 stars; one submission).

gnomAD v4.1: 1 of 1,613,444 alleles (0.000062%); highest among the groups gnomAD compares: Non-Finnish European, 0.000085%; no homozygotes.

Submission:

Labcorp Genetics (formerly Invitae), Labcorp
Classification: Uncertain significance. Last evaluated: 2024-05-10. Review status: criteria provided, single submitter. Criteria: Invitae Variant Classification Sherloc (09022015). Collection method: clinical testing. Allele origin: germline.
Comment: This sequence change replaces alanine, which is neutral and non-polar, with threonine, which is neutral and polar, at codon 542 of the SON protein (p.Ala542Thr). This variant is not present in population databases (gnomAD no frequency). This variant has not been reported in the literature in individuals affected with SON-related conditions. An algorithm developed to predict the effect of missense changes on protein structure and function (PolyPhen-2) suggests that this variant is likely to be tolerated. In summary, the available evidence is currently insufficient to determine the role of this variant in disease. Therefore, it has been classified as a Variant of Uncertain Significance.